The following is an entry in ClinVar:

ClinVar aggregate classification (germline): Likely benign. Review status: criteria provided, multiple submitters, no conflicts (2 of 4 stars). 2 submissions from 2 submitters: Likely benign (2). Last evaluated 2024-09-30.

Conditions:
Inborn genetic diseases. Identifiers: MedGen C0950123, MeSH D030342.

Allele frequency attached by ClinVar (database versions not stated): 1000 Genomes Project 0.00020; 1000 Genomes Project 30x 0.00031.
gnomAD v4.1: 42 of 1,613,240 alleles (0.0026%); highest among the groups gnomAD compares: African/African-American, 0.023%; no homozygotes.

Submissions (2):

Ambry Genetics
Classification: Likely benign for Inborn genetic diseases. Last evaluated: 2024-09-30. Review status: criteria provided, single submitter. Criteria: Ambry Variant Classification Scheme 2023. Collection method: clinical testing. Allele origin: germline.

CeGaT Center for Human Genetics Tuebingen
Classification: Likely benign. Last evaluated: 2024-02-01. Review status: criteria provided, single submitter. Criteria: CeGaT Center For Human Genetics Tuebingen Variant Classification Criteria Version 2. Collection method: clinical testing. Allele origin: germline. Affected: yes. Observed: 1 variant allele.
Comment: MAPK8IP3: BS2

NM_001318852.2(MAPK8IP3):c.1762C>G (p.Pro588Ala)

Gene: MAPK8IP3 (mitogen-activated protein kinase 8 interacting protein 3; plus strand). Cytogenetic location: 16p13.3.
Variant type: single nucleotide variant.
Coding change: c.1762C>G on transcript NM_001318852.2 (MANE Select); coding-DNA position 1762, C replaced by G.
Protein change: p.Pro588Ala; replaces proline 588 with alanine.
Molecular consequence: missense variant.
Genome position (GRCh38, 1-based): chr16:1,762,870, C>G. VCF-style: chr16-1762870-C-G. GRCh37 (hg19) VCF-style: chr16-1812871-C-G.
Other names: c.1741C>G, p.Pro581Ala (NM_001040439.2); c.1759C>G, p.Pro587Ala (NM_015133.5, NM_033392.3); c.1759C>G (NM_015133.3); short protein forms P581A, P587A, P588A.
Identifiers: ClinVar variation 3025899 (VCV003025899.23), dbSNP rs573495601, ClinGen allele CA7817011.